The following is an entry in ClinVar:

NM_000179.3(MSH6):c.3479T>A (p.Val1160Asp)

Gene: MSH6 (mutS homolog 6; plus strand). Cytogenetic location: 2p16.3.
Variant type: single nucleotide variant.
Coding change: c.3479T>A on transcript NM_000179.3 (MANE Select); coding-DNA position 3479, T replaced by A.
Protein change: p.Val1160Asp; replaces valine 1160 with aspartic acid.
Molecular consequence: missense variant.
Genome position (GRCh38, 1-based): chr2:47,804,950, T>A. VCF-style: chr2-47804950-T-A. GRCh37 (hg19) VCF-style: chr2-48032089-T-A.
Other names: c.3089T>A, p.Val1030Asp (NM_001281492.2); c.2573T>A, p.Val858Asp (NM_001281493.2, NM_001281494.2, NM_001406811.1 and 6 more transcripts); c.3575T>A, p.Val1192Asp (NM_001406795.1, NM_001406802.1); c.3479T>A, p.Val1160Asp (NM_001406796.1, NM_001406800.1, NM_001406808.1 and 1 more transcripts); c.3182T>A, p.Val1061Asp (NM_001406797.1, NM_001406801.1, NM_001406805.1 and 10 more transcripts); c.3305T>A, p.Val1102Asp (NM_001406798.1); c.2954T>A, p.Val985Asp (NM_001406799.1, NM_001406806.1, NM_001406807.1); c.2615T>A, p.Val872Asp (NM_001406803.1); and 7 more; short protein forms V1030D, V1104D, V1160D, V475D, V872D, V1162D, V87D, V985D.
Identifiers: ClinVar variation 1731813 (VCV001731813.2), dbSNP rs1669870029, ClinGen allele CA346760130.

ClinVar aggregate classification (germline): Uncertain significance (1 of 4 stars; one submission).

Conditions:
Hereditary cancer-predisposing syndrome. Also called: Neoplastic Syndromes, Hereditary; Tumor predisposition; Hereditary Cancer Syndrome; Hereditary neoplastic syndrome. Identifiers: Orphanet 140162, MedGen C0027672, MeSH D009386, MONDO:0015356.

Allele frequency attached by ClinVar (database versions not stated): TOPMed below 0.00001.

Submission:

Ambry Genetics
Classification: Uncertain significance for Hereditary cancer-predisposing syndrome. Last evaluated: 2019-09-27. Review status: criteria provided, single submitter. Criteria: Ambry Variant Classification Scheme 2023. Collection method: clinical testing. Allele origin: germline.
Comment: The p.V1160D variant (also known as c.3479T>A), located in coding exon 6 of the MSH6 gene, results from a T to A substitution at nucleotide position 3479. The valine at codon 1160 is replaced by aspartic acid, an amino acid with highly dissimilar properties. Based on internal structural analysis, this variant is anticipated to result in a significant decrease in structural stability (Warren JJ et al. Mol. Cell, 2007 May;26:579-92). This amino acid position is well conserved in available vertebrate species. In addition, this alteration is predicted to be deleterious by in silico analysis. Since supporting evidence is limited at this time, the clinical significance of this alteration remains unclear.

Literature cited by the submitters: PubMed 17531815.